The following is an entry in ClinVar:

ClinVar aggregate classification (germline): Likely benign (1 of 4 stars; one submission).

Allele frequency attached by ClinVar (database versions not stated): gnomAD exomes below 0.00001.
gnomAD v4.1: 2 of 1,606,282 alleles (0.00012%); highest among the groups gnomAD compares: Non-Finnish European, 0.00017%; no homozygotes.

Submission:

GeneDx
Classification: Likely benign. Last evaluated: 2016-07-18. Review status: criteria provided, single submitter. Criteria: GeneDx Variant Classification (06012015). Collection method: clinical testing. Allele origin: germline. Affected: yes.
Comment: This variant is considered likely benign or benign based on one or more of the following criteria: it is a conservative change, it occurs at a poorly conserved position in the protein, it is predicted to be benign by multiple in silico algorithms, and/or has population frequency not consistent with disease.

NM_001165963.4(SCN1A):c.1005A>G (p.Leu335=)

Gene: SCN1A (sodium voltage-gated channel alpha subunit 1; minus strand). Cytogenetic location: 2q24.3.
Variant type: single nucleotide variant.
Coding change: c.1005A>G on transcript NM_001165963.4 (MANE Select); coding-DNA position 1005, A replaced by G.
Protein change: p.Leu335=; no amino-acid change (leucine 335 retained).
Molecular consequence: synonymous variant. On other transcripts: 5 prime UTR variant (1), non-coding transcript variant (1).
Genome position (GRCh38, 1-based): chr2:166,048,909, T>C on the plus strand (A>G on the coding strand, the complement: SCN1A is on the minus strand). VCF-style: chr2-166048909-T-C. GRCh37 (hg19) VCF-style: chr2-166905419-T-C.
Other names: c.1005A>G, p.Leu335= (NM_001165964.3, NM_001202435.3, NM_001353948.2 and 10 more transcripts); c.-1421A>G (NM_001353961.2).
Identifiers: ClinVar variation 387512 (VCV000387512.1), dbSNP rs760865208, ClinGen allele CA1943385.